The following is an entry in ClinVar:

NM_030777.4(SLC2A10):c.890G>A (p.Arg297Lys)

Gene: SLC2A10 (solute carrier family 2 member 10; plus strand). Cytogenetic location: 20q13.12.
Variant type: single nucleotide variant.
Coding change: c.890G>A on transcript NM_030777.4 (MANE Select); coding-DNA position 890, G replaced by A.
Protein change: p.Arg297Lys; replaces arginine 297 with lysine.
Molecular consequence: missense variant.
Genome position (GRCh38, 1-based): chr20:46,725,926, G>A. VCF-style: chr20-46725926-G-A. GRCh37 (hg19) VCF-style: chr20-45354565-G-A.
Other names: short protein forms R297K.
Identifiers: ClinVar variation 1765077 (VCV001765077.3), dbSNP rs2515590870, ClinGen allele CA409268477.

ClinVar aggregate classification (germline): Uncertain significance. Review status: criteria provided, multiple submitters, no conflicts (2 of 4 stars). 2 submissions from 2 submitters: Uncertain significance (2). Last evaluated 2026-05-30.

Conditions:
Familial thoracic aortic aneurysm and aortic dissection (TAAD). Also called: Thoracic aortic aneurysms and dissections. Identifiers: Orphanet 91387, MedGen C4707243, MONDO:0019625.

Allele frequency attached by ClinVar (database versions not stated): gnomAD exomes below 0.00001.
gnomAD v4.1: 5 of 1,614,020 alleles (0.00031%); highest among the groups gnomAD compares: Non-Finnish European, 0.00042%; no homozygotes.

Submissions (2):

Women's Health and Genetics/Laboratory Corporation of America, LabCorp
Classification: Uncertain significance. Last evaluated: 2026-05-30. Review status: criteria provided, single submitter. Criteria: LabCorp Variant Classification Summary - May 2015. Collection method: clinical testing. Allele origin: germline.

Ambry Genetics
Classification: Uncertain significance for Familial thoracic aortic aneurysm and aortic dissection. Last evaluated: 2021-11-19. Review status: criteria provided, single submitter. Criteria: Ambry Variant Classification Scheme 2023. Collection method: clinical testing. Allele origin: germline.
Comment: The p.R297K variant (also known as c.890G>A), located in coding exon 2 of the SLC2A10 gene, results from a G to A substitution at nucleotide position 890. The arginine at codon 297 is replaced by lysine, an amino acid with highly similar properties. This amino acid position is conserved. In addition, the in silico prediction for this alteration is inconclusive. Since supporting evidence is limited at this time, the clinical significance of this alteration remains unclear.